The following is an entry in ClinVar:

NM_001365088.1(SLC12A6):c.854T>G (p.Leu285Arg)

Gene: SLC12A6 (solute carrier family 12 member 6; minus strand). Cytogenetic location: 15q14.
Variant type: single nucleotide variant.
Coding change: c.854T>G on transcript NM_001365088.1 (MANE Select); coding-DNA position 854, T replaced by G.
Protein change: p.Leu285Arg; replaces leucine 285 with arginine.
Molecular consequence: missense variant.
Genome position (GRCh38, 1-based): chr15:34,255,284, A>C on the plus strand (T>G on the coding strand, the complement: SLC12A6 is on the minus strand). VCF-style: chr15-34255284-A-C. GRCh37 (hg19) VCF-style: chr15-34547485-A-C.
Other names: c.677T>G, p.Leu226Arg (NM_001042494.2, NM_001042495.2); c.827T>G, p.Leu276Arg (NM_001042496.2); c.809T>G, p.Leu270Arg (NM_001042497.2); c.701T>G, p.Leu234Arg (NM_005135.2); c.854T>G, p.Leu285Arg (NM_133647.2); short protein forms L285R, L234R, L270R, L276R, L226R.
Identifiers: ClinVar variation 1517717 (VCV001517717.6), dbSNP rs2140726894, ClinGen allele CA391610155.

ClinVar aggregate classification (germline): Uncertain significance (1 of 4 stars; one submission).

Submission:

Labcorp Genetics (formerly Invitae), Labcorp
Classification: Uncertain significance. Last evaluated: 2021-09-06. Review status: criteria provided, single submitter. Criteria: Invitae Variant Classification Sherloc (09022015). Collection method: clinical testing. Allele origin: germline.
Comment: This variant is not present in population databases (ExAC no frequency). In summary, the available evidence is currently insufficient to determine the role of this variant in disease. Therefore, it has been classified as a Variant of Uncertain Significance. Advanced modeling of protein sequence and biophysical properties (such as structural, functional, and spatial information, amino acid conservation, physicochemical variation, residue mobility, and thermodynamic stability) performed at Invitae indicates that this missense variant is expected to disrupt SLC12A6 protein function. This variant has not been reported in the literature in individuals affected with SLC12A6-related conditions. This sequence change replaces leucine with arginine at codon 285 of the SLC12A6 protein (p.Leu285Arg). The leucine residue is moderately conserved and there is a moderate physicochemical difference between leucine and arginine.